The following is an entry in ClinVar:

ClinVar aggregate classification (germline): Uncertain significance (1 of 4 stars; one submission).

Conditions:
Inborn genetic diseases. Identifiers: MedGen C0950123, MeSH D030342.

gnomAD v4.1: 3 of 1,607,308 alleles (0.00019%); highest among the groups gnomAD compares: East Asian, 0.0045%; no homozygotes.

Submission:

Ambry Genetics
Classification: Uncertain significance for Inborn genetic diseases. Last evaluated: 2025-04-06. Review status: criteria provided, single submitter. Criteria: Ambry Variant Classification Scheme 2023. Collection method: clinical testing. Allele origin: germline.
Comment: The p.G34C variant (also known as c.100G>T), located in coding exon 2 of the FANCG gene, results from a G to T substitution at nucleotide position 100. The glycine at codon 34 is replaced by cysteine, an amino acid with highly dissimilar properties. This amino acid position is conserved. In addition, this alteration is predicted to be tolerated by in silico analysis. Based on the available evidence, the clinical significance of this variant remains unclear.

NM_004629.2(FANCG):c.100G>T (p.Gly34Cys)

Gene: FANCG (FA complementation group G; minus strand). Cytogenetic location: 9p13.3.
Variant type: single nucleotide variant.
Coding change: c.100G>T on transcript NM_004629.2 (MANE Select); coding-DNA position 100, G replaced by T.
Protein change: p.Gly34Cys; replaces glycine 34 with cysteine.
Molecular consequence: missense variant.
Genome position (GRCh38, 1-based): chr9:35,079,226, C>A on the plus strand (G>T on the coding strand, the complement: FANCG is on the minus strand). VCF-style: chr9-35079226-C-A. GRCh37 (hg19) VCF-style: chr9-35079223-C-A.
Other names: short protein forms G34C.
Identifiers: ClinVar variation 4022477 (VCV004022477.1).